The following is an entry in ClinVar:

NM_024529.5(CDC73):c.74T>C (p.Val25Ala)

Gene: CDC73 (cell division cycle 73; plus strand). Cytogenetic location: 1q31.2.
Variant type: single nucleotide variant.
Coding change: c.74T>C on transcript NM_024529.5 (MANE Select); coding-DNA position 74, T replaced by C.
Protein change: p.Val25Ala; replaces valine 25 with alanine.
Molecular consequence: missense variant.
Genome position (GRCh38, 1-based): chr1:193,122,274, T>C. VCF-style: chr1-193122274-T-C. GRCh37 (hg19) VCF-style: chr1-193091404-T-C.
Other names: short protein forms V25A.
Identifiers: ClinVar variation 4739222 (VCV004739222.1).

ClinVar aggregate classification (germline): Uncertain significance (1 of 4 stars; one submission).

Conditions:
Parathyroid carcinoma (PRTC). Also called: Parathyroid gland carcinoma; CDC73-Related Parathyroid Carcinoma. Identifiers: Orphanet 143, MedGen C0687150, MONDO:0012004, OMIM 608266, HP:0006780.

Submission:

Labcorp Genetics (formerly Invitae), Labcorp
Classification: Uncertain significance for Parathyroid carcinoma. Last evaluated: 2025-04-10. Review status: criteria provided, single submitter. Criteria: Invitae Variant Classification Sherloc (09022015). Collection method: clinical testing. Allele origin: germline.
Comment: This sequence change replaces valine, which is neutral and non-polar, with alanine, which is neutral and non-polar, at codon 25 of the CDC73 protein (p.Val25Ala). This variant is not present in population databases (gnomAD no frequency). This variant has not been reported in the literature in individuals affected with CDC73-related conditions. Invitae Evidence Modeling of protein sequence and biophysical properties (such as structural, functional, and spatial information, amino acid conservation, physicochemical variation, residue mobility, and thermodynamic stability) indicates that this missense variant is not expected to disrupt CDC73 protein function with a negative predictive value of 80%. In summary, the available evidence is currently insufficient to determine the role of this variant in disease. Therefore, it has been classified as a Variant of Uncertain Significance.